The following is an entry in ClinVar:

ClinVar aggregate classification (germline): Uncertain significance. Review status: criteria provided, multiple submitters, no conflicts (2 of 4 stars). 2 submissions from 2 submitters: Uncertain significance (2). Last evaluated 2024-07-22.

Conditions:
Paroxysmal nonkinesigenic dyskinesia. Also called: Paroxysmal non-kinesigenic dyskinesia. Identifiers: Orphanet 98810, MedGen C1869117, MONDO:0700088.
Inborn genetic diseases. Identifiers: MedGen C0950123, MeSH D030342.

gnomAD v4.1: 1 of 1,612,820 alleles (0.000062%); highest among the groups gnomAD compares: Non-Finnish European, 0.000085%; no homozygotes.

Submissions (2):

Ambry Genetics
Classification: Uncertain significance for Inborn genetic diseases. Last evaluated: 2024-07-22. Review status: criteria provided, single submitter. Criteria: Ambry Variant Classification Scheme 2023. Collection method: clinical testing. Allele origin: germline.

Labcorp Genetics (formerly Invitae), Labcorp
Classification: Uncertain significance for Paroxysmal nonkinesigenic dyskinesia. Last evaluated: 2024-07-06. Review status: criteria provided, single submitter. Criteria: Invitae Variant Classification Sherloc (09022015). Collection method: clinical testing. Allele origin: germline.
Comment: This sequence change replaces threonine, which is neutral and polar, with isoleucine, which is neutral and non-polar, at codon 226 of the PNKD protein (p.Thr226Ile). This variant is not present in population databases (gnomAD no frequency). This variant has not been reported in the literature in individuals affected with PNKD-related conditions. Advanced modeling of protein sequence and biophysical properties (such as structural, functional, and spatial information, amino acid conservation, physicochemical variation, residue mobility, and thermodynamic stability) has been performed at Invitae for this missense variant, however the output from this modeling did not meet the statistical confidence thresholds required to predict the impact of this variant on PNKD protein function. In summary, the available evidence is currently insufficient to determine the role of this variant in disease. Therefore, it has been classified as a Variant of Uncertain Significance.

NM_015488.5(PNKD):c.677C>T (p.Thr226Ile)

Genes: CATIP-AS2 (CATIP antisense RNA 2; minus strand), PNKD (PNKD metallo-beta-lactamase domain containing; plus strand). Cytogenetic location: 2q35.
Variant type: single nucleotide variant.
Coding change: c.677C>T on transcript NM_015488.5 (MANE Select); coding-DNA position 677, C replaced by T.
Protein change: p.Thr226Ile; replaces threonine 226 with isoleucine.
Molecular consequence: missense variant.
Genome position (GRCh38, 1-based): chr2:218,342,040, C>T. VCF-style: chr2-218342040-C-T. GRCh37 (hg19) VCF-style: chr2-219206763-C-T.
Other names: c.605C>T, p.Thr202Ile (NM_022572.5); short protein forms T202I, T226I.
Identifiers: ClinVar variation 3421570 (VCV003421570.3).
Genomic context (GRCh38, chr2:218,342,040, plus strand): 5'-GTCCCCTGTGTCATCAAGATGTGGTCAGCGTGGGACGGCTTCAGATCCGGGCCCTGGCTA[C>T]ACCTGGCCACACACAAGGCCATCTGGTCTACCTACTGGATGGGGAGCCCTACAAGGGTCC-3'
Protein context (NP_056303.3, residues 216-236): VGRLQIRALA[Thr226Ile]PGHTQGHLVY